The following is an entry in ClinVar:

NM_005685.4(GTF2IRD1):c.27C>T (p.Asp9=)

Gene: GTF2IRD1 (GTF2I repeat domain containing 1; plus strand). Cytogenetic location: 7q11.23.
Variant type: single nucleotide variant.
Coding change: c.27C>T on transcript NM_005685.4 (MANE Select); coding-DNA position 27, C replaced by T.
Protein change: p.Asp9=; no amino-acid change (aspartic acid 9 retained).
Molecular consequence: synonymous variant.
Genome position (GRCh38, 1-based): chr7:74,508,107, C>T. VCF-style: chr7-74508107-C-T. GRCh37 (hg19) VCF-style: chr7-73922437-C-T.
Other names: c.27C>T, p.Asp9= (NM_001199207.2, NM_016328.3).
Identifiers: ClinVar variation 792820 (VCV000792820.9), dbSNP rs144243800, ClinGen allele CA4296357.

ClinVar aggregate classification (germline): Likely benign. Review status: criteria provided, multiple submitters, no conflicts (2 of 4 stars). 3 submissions from 3 submitters: Likely benign (3). Last evaluated 2025-12-01.

Allele frequency attached by ClinVar (database versions not stated): ExAC 0.00003; gnomAD exomes 0.00008 and 0.00017; gnomAD 0.00011 and 0.00014; 1000 Genomes Project 30x 0.00016; TOPMed 0.00019; 1000 Genomes Project 0.00020; ESP Exome Variant Server 0.00023.
gnomAD v4.1: 267 of 1,609,850 alleles (0.017%); highest among the groups gnomAD compares: Non-Finnish European, 0.021%; no homozygotes.

Submissions (3):

CeGaT Center for Human Genetics Tuebingen
Classification: Likely benign. Last evaluated: 2025-12-01. Review status: criteria provided, single submitter. Criteria: CeGaT Center For Human Genetics Tuebingen Variant Classification Criteria Version 2. Collection method: clinical testing. Allele origin: germline. Affected: yes. Observed: 1 variant allele.
Comment: GTF2IRD1: BP4, BP7

Labcorp Genetics (formerly Invitae), Labcorp
Classification: Likely benign. Last evaluated: 2018-10-17. Review status: criteria provided, single submitter. Criteria: Invitae Variant Classification Sherloc (09022015). Collection method: clinical testing. Allele origin: germline.

Breakthrough Genomics
Classification: Likely benign. Review status: criteria provided, single submitter. Criteria: ACMG Guidelines, 2015. Collection method: not provided. Allele origin: germline. Inheritance: Unknown mechanism. Affected: yes.